The following is an entry in ClinVar:

ClinVar aggregate classification (germline): Likely pathogenic (1 of 4 stars; one submission).

Conditions:
Lynch syndrome 5 (LYNCH5). Also called: Colorectal cancer, hereditary nonpolyposis, type 5; Hereditary non-polyposis colorectal cancer, type 5. Identifiers: Orphanet 144, MedGen C1833477, MONDO:0013710, OMIM 614350. Disease mechanism: loss of function.

Submission:

Juno Genomics, Hangzhou Juno Genomics, Inc
Classification: Likely pathogenic for Lynch syndrome 5. Review status: criteria provided, single submitter. Criteria: ACMG Guidelines, 2015. Collection method: clinical testing. Allele origin: germline.
Comment: Absent from controls (or at extremely low frequency if recessive) in Genome Aggregation Database.;Null variant in a gene where loss of function (LOF) is a known mechanism of disease.

NM_000179.3(MSH6):c.3258_3261dup (p.Phe1088fs)

Gene: MSH6 (mutS homolog 6; plus strand). Cytogenetic location: 2p16.3.
Variant type: Duplication.
Coding change: c.3258_3261dup on transcript NM_000179.3 (MANE Select); coding-DNA positions 3258 to 3261, 4 bases duplicated (CCCC; older notation c.3258_3261dupCCCC).
Protein change: p.Phe1088fs; shifts the reading frame from phenylalanine 1088.
Molecular consequence: frameshift variant. On other transcripts: non-coding transcript variant (5), intron variant (1).
Genome position (GRCh38, 1-based): chr2:47,803,505-47,803,508, CCCC duplicated; duplicating any 4 consecutive bases within chr2:47,803,501-47,803,508 gives the same sequence; the c. name uses the placement nearest the transcript's 3' end. VCF-style (leftmost placement, unchanged base first): chr2-47803500-A-ACCCC. GRCh37 (hg19) VCF-style: chr2-48030639-A-ACCCC.
Other names: c.2868_2871dup, p.Phe958fs (NM_001281492.2); c.2352_2355dup, p.Phe786fs (NM_001281493.2, NM_001281494.2, NM_001406811.1 and 6 more transcripts); c.3354_3357dup, p.Phe1120fs (NM_001406795.1, NM_001406802.1); c.3258_3261dup, p.Phe1088fs (NM_001406796.1, NM_001406800.1, NM_001406808.1 and 1 more transcripts); c.2961_2964dup, p.Phe989fs (NM_001406797.1, NM_001406801.1, NM_001406805.1 and 10 more transcripts); c.2733_2736dup, p.Phe913fs (NM_001406799.1, NM_001406806.1, NM_001406807.1); c.2394_2397dup, p.Phe800fs (NM_001406803.1); c.3180_3183dup, p.Phe1062fs (NM_001406804.1); and 7 more; short protein forms F1032fs, F1062fs, F1088fs, F1090fs, F1120fs, F15fs, F37fs, F403fs.
Identifiers: ClinVar variation 3767097 (VCV003767097.3).